The following is an entry in ClinVar:

NM_000521.4(HEXB):c.571G>T (p.Glu191Ter)

Gene: HEXB (hexosaminidase subunit beta; plus strand). Cytogenetic location: 5q13.3.
Variant type: single nucleotide variant.
Coding change: c.571G>T on transcript NM_000521.4 (MANE Select); coding-DNA position 571, G replaced by T.
Protein change: p.Glu191Ter; replaces glutamic acid 191 with a stop codon.
Molecular consequence: nonsense. On other transcripts: 5 prime UTR variant (1).
Genome position (GRCh38, 1-based): chr5:74,697,008, G>T. VCF-style: chr5-74697008-G-T. GRCh37 (hg19) VCF-style: chr5-73992833-G-T.
Other names: c.-105G>T (NM_001292004.2); short protein forms E191*.
Identifiers: ClinVar variation 4814292 (VCV004814292.2).

ClinVar aggregate classification (germline): Pathogenic/Likely pathogenic. Review status: criteria provided, multiple submitters, no conflicts (2 of 4 stars). 2 submissions from 2 submitters: Pathogenic (1); Likely pathogenic (1). Last evaluated 2026-01-19.

Conditions:
Sandhoff disease. Also called: GM2-GANGLIOSIDOSIS, TYPE II; HEXOSAMINIDASES A AND B DEFICIENCY; Beta-hexosaminidase-beta-subunit deficiency; GM2 gangliosidosis, type 2; Total hexosaminidase deficiency; Sandhoff-Jatzkewitz-Pilz disease. Identifiers: Orphanet 796, MedGen C0036161, MONDO:0010006, OMIM 268800.

gnomAD v4.1: 1 of 1,551,172 alleles (0.000064%); highest among the groups gnomAD compares: Admixed American, 0.0017%; no homozygotes.

Submissions (2):

Myriad Genetics, Inc.
Classification: Pathogenic for Sandhoff disease. Last evaluated: 2026-01-19. Review status: criteria provided, single submitter. Criteria: Myriad Autosomal Dominant, Autosomal Recessive and X-Linked Classification Criteria (2023). Collection method: clinical testing. Allele origin: unknown.
Comment: NM_000521.3(HEXB):c.571G>T(E191*) is expected to be pathogenic in the context of Sandhoff disease. This variant is predicted to lead to an abnormal or absent protein product due to the creation of a premature termination codon in HEXB, a gene where loss-of-function variants are known to be pathogenic. Please note: this variant was assessed in the context of healthy population screening.

Natera, Inc.
Classification: Likely pathogenic for Sandhoff disease. Last evaluated: 2025-12-30. Review status: criteria provided, single submitter. Criteria: Natera Variant Classification Schema (03/2026). Collection method: clinical testing. Allele origin: germline.
Comment: The c.571G>T variant in HEXB is a nonsense variant predicted to introduce a stop codon at amino acid 191. This variant is expected to result in nonsense mediated decay, truncation, or a dysfunctional protein product. This variant is rare in the general population with a frequency below the threshold expected for the associated phenotype(s). Given the available evidence, this variant is classified as Likely Pathogenic.